The following is an entry in ClinVar:

NM_021625.5(TRPV4):c.1957A>C (p.Thr653Pro)

Gene: TRPV4 (transient receptor potential cation channel subfamily V member 4; minus strand). Cytogenetic location: 12q24.11.
Variant type: single nucleotide variant.
Coding change: c.1957A>C on transcript NM_021625.5 (MANE Select); coding-DNA position 1957, A replaced by C.
Protein change: p.Thr653Pro; replaces threonine 653 with proline.
Molecular consequence: missense variant.
Genome position (GRCh38, 1-based): chr12:109,788,651, T>G on the plus strand (A>C on the coding strand, the complement: TRPV4 is on the minus strand). VCF-style: chr12-109788651-T-G. GRCh37 (hg19) VCF-style: chr12-110226456-T-G.
Other names: c.1816A>C, p.Thr606Pro (NM_001177428.2); c.1855A>C, p.Thr619Pro (NM_001177431.2); c.1636A>C, p.Thr546Pro (NM_001177433.2); c.1777A>C, p.Thr593Pro (NM_147204.3); short protein forms T653P, T546P, T593P, T619P, T606P.
Identifiers: ClinVar variation 469040 (VCV000469040.7), dbSNP rs769927678, ClinGen allele CA386651018.
Genomic context (GRCh38, chr12:109,788,651, plus strand): 5'-GGTCCAGGAGGAAGGTGCTGAAGGTCTCGCTGTCACGGCACGAGGGGTAAGTGGGCACTG[T>G]GCAGTTGGTCTGGTCCTCATTGCACACCTTCATGTTGGCACACGGGTTCAGGAGGGAGAC-3'
Protein context (NP_067638.3, residues 643-663): KVCNEDQTNC[Thr653Pro]VPTYPSCRDS

ClinVar aggregate classification (germline): Uncertain significance (1 of 4 stars; one submission).

Conditions:
Charcot-Marie-Tooth disease axonal type 2C (HMSN2C). Also called: CHARCOT-MARIE-TOOTH DISEASE, AXONAL, AUTOSOMAL DOMINANT, TYPE 2C; Charcot-Marie-Tooth Neuropathy Type 2C; Charcot-Marie-Tooth Disease Type 2, TRPV4-Related (CMT2C). Identifiers: Orphanet 99937, MedGen C1853710, MONDO:0011633, OMIM 606071.

Submission:

Labcorp Genetics (formerly Invitae), Labcorp
Classification: Uncertain significance for Charcot-Marie-Tooth disease axonal type 2C. Last evaluated: 2020-02-17. Review status: criteria provided, single submitter. Criteria: Invitae Variant Classification Sherloc (09022015). Collection method: clinical testing. Allele origin: germline.
Comment: This sequence change replaces threonine with proline at codon 653 of the TRPV4 protein (p.Thr653Pro). The threonine residue is moderately conserved and there is a small physicochemical difference between threonine and proline. This variant is not present in population databases (ExAC no frequency) and has not been reported in the literature in individuals with a TRPV4-related disease. Algorithms developed to predict the effect of missense changes on protein structure and function do not agree on the potential impact of this missense change (SIFT: "Tolerated"; PolyPhen-2: "Possibly Damaging"; Align-GVGD: "Class C0"). In summary, this variant is a novel missense change with uncertain impact on protein function. It has been classified as a Variant of Uncertain Significance.